The following is an entry in ClinVar:

ClinVar aggregate classification (germline): Uncertain significance (1 of 4 stars; one submission).

gnomAD v4.1: 1 of 1,613,208 alleles (0.000062%); highest among the groups gnomAD compares: Non-Finnish European, 0.000085%; no homozygotes.

Submission:

Dasa
Classification: Uncertain significance. Last evaluated: 2026-04-02. Review status: criteria provided, single submitter. Criteria: DASA Assertion Criteria. Collection method: clinical testing. Allele origin: germline.
Comment: NM_001348716.2(KDM6B):c.1258-9C>T is a splice-region variant. This variant is rare in population databases. Computational prediction algorithms are consistent with a benign effect. The currently available literature and clinical evidence are not sufficient to establish a definitive association between this variant and the reported condition. Therefore, this variant is classified as a variant of uncertain significance.

NM_001348716.2(KDM6B):c.1258-9C>T

Gene: KDM6B (lysine demethylase 6B; plus strand). Cytogenetic location: 17p13.1.
Variant type: single nucleotide variant.
Coding change: c.1258-9C>T on transcript NM_001348716.2 (MANE Select); 9 bases into the intron before coding-DNA position 1258, C replaced by T.
Molecular consequence: intron variant.
Genome position (GRCh38, 1-based): chr17:7,847,537, C>T. VCF-style: chr17-7847537-C-T. GRCh37 (hg19) VCF-style: chr17-7750855-C-T.
Other names: c.1258-9C>T (NM_001080424.2).
Identifiers: ClinVar variation 4883484 (VCV004883484.2).